The following is an entry in ClinVar:

ClinVar aggregate classification (germline): Pathogenic (1 of 4 stars; one submission).

Submission:

GeneDx
Classification: Pathogenic. Last evaluated: 2020-11-10. Review status: criteria provided, single submitter. Criteria: GeneDx Variant Classification Process June 2021. Collection method: clinical testing. Allele origin: germline. Affected: yes.
Comment: Not observed in large population cohorts (Lek et al., 2016); In silico analysis supports that this missense variant has a deleterious effect on protein structure/function; Has not been previously published as pathogenic or benign to our knowledge

NM_003722.5(TP63):c.1040G>T (p.Cys347Phe)

Gene: TP63 (tumor protein p63; plus strand). Cytogenetic location: 3q28.
Variant type: single nucleotide variant.
Coding change: c.1040G>T on transcript NM_003722.5 (MANE Select); coding-DNA position 1040, G replaced by T.
Protein change: p.Cys347Phe; replaces cysteine 347 with phenylalanine.
Molecular consequence: missense variant.
Genome position (GRCh38, 1-based): chr3:189,868,627, G>T. VCF-style: chr3-189868627-G-T. GRCh37 (hg19) VCF-style: chr3-189586416-G-T.
Other names: c.1040G>T, p.Cys347Phe (NM_001114978.2, NM_001114979.2, NM_001329144.2 and 1 more transcripts); c.758G>T, p.Cys253Phe (NM_001114980.2, NM_001114981.2, NM_001114982.2 and 2 more transcripts); c.503G>T, p.Cys168Phe (NM_001329146.2, NM_001329150.2); c.1034G>T, p.Cys345Phe (NM_001329964.2); short protein forms C347F, C345F, C168F, C253F.
Identifiers: ClinVar variation 418520 (VCV000418520.3), dbSNP rs1064793282, ClinGen allele CA16617858.